The following is an entry in ClinVar:

NM_001851.6(COL9A1):c.1889T>G (p.Leu630Ter)

Gene: COL9A1 (collagen type IX alpha 1 chain; minus strand). Cytogenetic location: 6q13.
Variant type: single nucleotide variant.
Coding change: c.1889T>G on transcript NM_001851.6 (MANE Select); coding-DNA position 1889, T replaced by G.
Protein change: p.Leu630Ter; replaces leucine 630 with a stop codon.
Molecular consequence: nonsense. On other transcripts: non-coding transcript variant (1).
Genome position (GRCh38, 1-based): chr6:70,242,699, A>C on the plus strand (T>G on the coding strand, the complement: COL9A1 is on the minus strand). VCF-style: chr6-70242699-A-C. GRCh37 (hg19) VCF-style: chr6-70952402-A-C.
Other names: c.1190T>G, p.Leu397Ter (NM_001377289.1); c.1160T>G, p.Leu387Ter (NM_001377290.1, NM_078485.4); short protein forms L630*, L397*, L387*.
Identifiers: ClinVar variation 2707401 (VCV002707401.3), dbSNP rs2483248331, ClinGen allele CA364675868.

ClinVar aggregate classification (germline): Pathogenic (1 of 4 stars; one submission).

Submission:

Labcorp Genetics (formerly Invitae), Labcorp
Classification: Pathogenic. Last evaluated: 2024-01-04. Review status: criteria provided, single submitter. Criteria: Invitae Variant Classification Sherloc (09022015). Collection method: clinical testing. Allele origin: germline.
Comment: This sequence change creates a premature translational stop signal (p.Leu630*) in the COL9A1 gene. It is expected to result in an absent or disrupted protein product. Loss-of-function variants in COL9A1 are known to be pathogenic (PMID: 16909383, 21421862). This variant is not present in population databases (gnomAD no frequency). This variant has not been reported in the literature in individuals affected with COL9A1-related conditions. For these reasons, this variant has been classified as Pathogenic.

Literature cited by the submitters: PubMed 16909383; PubMed 21421862.